The following is an entry in ClinVar:

ClinVar aggregate classification (germline): Likely benign. Review status: criteria provided, multiple submitters, no conflicts (2 of 4 stars). 2 submissions from 2 submitters: Likely benign (2). Last evaluated 2024-10-28.

Conditions:
T-B+ severe combined immunodeficiency due to JAK3 deficiency. Also called: SCID, T CELL-NEGATIVE, B CELL-POSITIVE, NK CELL-NEGATIVE; SCID, autosomal recessive, T-negative/B-positive type. Identifiers: Orphanet 35078, MedGen C1833275, MONDO:0010938, OMIM 600802.

Submissions (2):

Labcorp Genetics (formerly Invitae), Labcorp
Classification: Likely benign for T-B+ severe combined immunodeficiency due to JAK3 deficiency. Last evaluated: 2024-10-28. Review status: criteria provided, single submitter. Criteria: Invitae Variant Classification Sherloc (09022015). Collection method: clinical testing. Allele origin: germline.

CeGaT Center for Human Genetics Tuebingen
Classification: Likely benign. Last evaluated: 2022-07-01. Review status: criteria provided, single submitter. Criteria: CeGaT Center For Human Genetics Tuebingen Variant Classification Criteria Version 2. Collection method: clinical testing. Allele origin: germline. Affected: yes. Observed: 1 variant allele.
Comment: JAK3: PM2:Supporting, BP4, BP7

NM_000215.4(JAK3):c.291C>T (p.Val97=)

Gene: JAK3 (Janus kinase 3; minus strand). Cytogenetic location: 19p13.11.
Variant type: single nucleotide variant.
Coding change: c.291C>T on transcript NM_000215.4 (MANE Select); coding-DNA position 291, C replaced by T.
Protein change: p.Val97=; no amino-acid change (valine 97 retained).
Molecular consequence: synonymous variant.
Genome position (GRCh38, 1-based): chr19:17,843,794, G>A on the plus strand (C>T on the coding strand, the complement: JAK3 is on the minus strand). VCF-style: chr19-17843794-G-A. GRCh37 (hg19) VCF-style: chr19-17954603-G-A.
Identifiers: ClinVar variation 2649558 (VCV002649558.27), dbSNP rs2514580504, ClinGen allele CA506004992.